The following is an entry in ClinVar:

ClinVar aggregate classification (germline): Benign/Likely benign. Review status: criteria provided, multiple submitters, no conflicts (2 of 4 stars). 7 submissions from 7 submitters: Benign (2); Likely benign (4). 1 of the submissions does not count toward it. Last evaluated 2026-01-29.

Conditions:
Hereditary cancer-predisposing syndrome. Also called: Neoplastic Syndromes, Hereditary; Tumor predisposition; Hereditary Cancer Syndrome; Hereditary neoplastic syndrome. Identifiers: Orphanet 140162, MedGen C0027672, MeSH D009386, MONDO:0015356.
AXIN2-related disorder.
Oligodontia-cancer predisposition syndrome. Also called: TOOTH AGENESIS-COLORECTAL CANCER SYNDROME. Identifiers: Orphanet 300576, MedGen C1837750, MONDO:0012075, OMIM 608615. Disease mechanism: loss of function.

Allele frequency attached by ClinVar (database versions not stated): gnomAD 0.00001 and 0.00003; TOPMed 0.00001; gnomAD exomes 0.00005 and 0.00007; ExAC 0.00006.
gnomAD v4.1: 107 of 1,614,046 alleles (0.0066%); highest among the groups gnomAD compares: East Asian, 0.22%; no homozygotes.

Submissions (7):

Labcorp Genetics (formerly Invitae), Labcorp
Classification: Likely benign for Oligodontia-cancer predisposition syndrome. Last evaluated: 2026-01-29. Review status: criteria provided, single submitter. Criteria: Invitae Variant Classification Sherloc (09022015). Collection method: clinical testing. Allele origin: germline.

Myriad Genetics, Inc.
Classification: Benign for Oligodontia-cancer predisposition syndrome. Last evaluated: 2024-07-11. Review status: criteria provided, single submitter. Criteria: Myriad Autosomal Dominant, Autosomal Recessive and X-Linked Classification Criteria (2023). Collection method: clinical testing. Allele origin: unknown.
Comment: This variant is considered benign. This variant is a silent/synonymous amino acid change and it is not expected to impact splicing.

Quest Diagnostics Nichols Institute San Juan Capistrano
Classification: Benign. Last evaluated: 2023-04-23. Review status: criteria provided, single submitter. Criteria: Quest Diagnostics criteria. Collection method: clinical testing. Allele origin: unknown.

Women's Health and Genetics/Laboratory Corporation of America, LabCorp
Classification: Likely benign. Last evaluated: 2022-05-26. Review status: criteria provided, single submitter. Criteria: LabCorp Variant Classification Summary - May 2015. Collection method: clinical testing. Allele origin: germline.

Ambry Genetics
Classification: Likely benign for Hereditary cancer-predisposing syndrome. Last evaluated: 2020-06-24. Review status: criteria provided, single submitter. Criteria: Ambry Variant Classification Scheme 2023. Collection method: clinical testing. Allele origin: germline.

GeneDx
Classification: Likely benign. Last evaluated: 2018-08-13. Review status: criteria provided, single submitter. Criteria: GeneDx Variant Classification Process June 2021. Collection method: clinical testing. Allele origin: germline. Affected: yes.

PreventionGenetics, part of Exact Sciences
Classification: Likely benign for AXIN2-related condition. Last evaluated: 2024-02-21. Review status: no assertion criteria provided. Collection method: clinical testing. Allele origin: germline. Not counted in ClinVar's aggregate classification.
Comment: This variant is classified as likely benign based on ACMG/AMP sequence variant interpretation guidelines (Richards et al. 2015 PMID: 25741868, with internal and published modifications).

NM_004655.4(AXIN2):c.2499C>A (p.Gly833=)

Gene: AXIN2 (axin 2; minus strand). Cytogenetic location: 17q24.1.
Variant type: single nucleotide variant.
Coding change: c.2499C>A on transcript NM_004655.4 (MANE Select); coding-DNA position 2499, C replaced by A.
Protein change: p.Gly833=; no amino-acid change (glycine 833 retained).
Molecular consequence: synonymous variant.
Genome position (GRCh38, 1-based): chr17:65,530,009, G>T on the plus strand (C>A on the coding strand, the complement: AXIN2 is on the minus strand). VCF-style: chr17-65530009-G-T. GRCh37 (hg19) VCF-style: chr17-63526127-G-T.
Other names: c.2499C>A (LRG_296t1); c.2304C>A, p.Gly768= (NM_001363813.1).
Identifiers: ClinVar variation 464615 (VCV000464615.32), dbSNP rs772461187, ClinGen allele CA8718275.